The following is an entry in ClinVar:

ClinVar aggregate classification (germline): Uncertain significance (1 of 4 stars; one submission).

Conditions:
Hereditary spastic paraplegia 72 (SPG72A). Also called: Spastic paraplegia 72, autosomal recessive. Identifiers: Orphanet 401849, MedGen C5882669, MONDO:0014282, OMIM 615625.
Hereditary spastic paraplegia 5A (SPG5A). Also called: SPASTIC PARAPLEGIA 5A, AUTOSOMAL RECESSIVE. Identifiers: Orphanet 100986, MedGen C1849115, MONDO:0010047, OMIM 270800.

Allele frequency attached by ClinVar (database versions not stated): gnomAD exomes 0.00001; gnomAD 0.00002 and 0.00003; TOPMed 0.00002; ESP Exome Variant Server 0.00015.
gnomAD v4.1: 25 of 1,614,080 alleles (0.0015%); highest among the groups gnomAD compares: Non-Finnish European, 0.002%; no homozygotes.

Submission:

Labcorp Genetics (formerly Invitae), Labcorp
Classification: Uncertain significance for Hereditary spastic paraplegia 72. Last evaluated: 2024-10-08. Review status: criteria provided, single submitter. Criteria: Invitae Variant Classification Sherloc (09022015). Collection method: clinical testing. Allele origin: germline.
Comment: This sequence change replaces alanine, which is neutral and non-polar, with glycine, which is neutral and non-polar, at codon 209 of the REEP2 protein (p.Ala209Gly). This variant is present in population databases (rs149979144, gnomAD 0.003%). This variant has not been reported in the literature in individuals affected with REEP2-related conditions. ClinVar contains an entry for this variant (Variation ID: 1339931). An algorithm developed to predict the effect of missense changes on protein structure and function (PolyPhen-2) suggests that this variant is likely to be tolerated. In summary, the available evidence is currently insufficient to determine the role of this variant in disease. Therefore, it has been classified as a Variant of Uncertain Significance.

NM_001271803.2(REEP2):c.626C>G (p.Ala209Gly)

Gene: REEP2 (receptor accessory protein 2; plus strand). Cytogenetic location: 5q31.2.
Variant type: single nucleotide variant.
Coding change: c.626C>G on transcript NM_001271803.2 (MANE Select); coding-DNA position 626, C replaced by G.
Protein change: p.Ala209Gly; replaces alanine 209 with glycine.
Molecular consequence: missense variant. On other transcripts: non-coding transcript variant (2).
Genome position (GRCh38, 1-based): chr5:138,445,528, C>G. VCF-style: chr5-138445528-C-G. GRCh37 (hg19) VCF-style: chr5-137781217-C-G.
Other names: c.620C>G, p.Ala207Gly (NM_016606.4); short protein forms A207G, A209G.
Identifiers: ClinVar variation 1339931 (VCV001339931.4), dbSNP rs149979144, ClinGen allele CA128193441.
Genomic context (GRCh38, chr5:138,445,528, plus strand): 5'-GAGATGACCCTGCCCTGAGTCTAAGGTCCAGCACAAACCCGGCAGATTCCCGGACAGAGG[C>G]TTCTGAGGATGACATGGGAGACAAAGCTCCCAAGAGGGCCAAACCCATCAAAAAAGCGCC-3'
Protein context (NP_001258732.1, residues 199-219): STNPADSRTE[Ala209Gly]SEDDMGDKAP